The following is an entry in ClinVar:

NM_000138.5(FBN1):c.-12C>T

Gene: FBN1 (fibrillin 1; minus strand). Cytogenetic location: 15q21.1.
Variant type: single nucleotide variant.
Coding change: c.-12C>T on transcript NM_000138.5 (MANE Select); 12 bases upstream of the start codon, C replaced by T.
Molecular consequence: 5 prime UTR variant.
Genome position (GRCh38, 1-based): chr15:48,644,781, G>A on the plus strand (C>T on the coding strand, the complement: FBN1 is on the minus strand). VCF-style: chr15-48644781-G-A. GRCh37 (hg19) VCF-style: chr15-48936978-G-A.
Other names: c.-12C>T (NM_001406716.1, NM_001406717.1, NM_001406718.1).
Identifiers: ClinVar variation 2773411 (VCV002773411.4), dbSNP rs1308087374, ClinGen allele CA713391337.

ClinVar aggregate classification (germline): Uncertain significance. Review status: criteria provided, multiple submitters, no conflicts (2 of 4 stars). 2 submissions from 2 submitters: Uncertain significance (2). Last evaluated 2025-06-04.

Conditions:
Familial thoracic aortic aneurysm and aortic dissection (TAAD). Also called: Thoracic aortic aneurysms and dissections. Identifiers: Orphanet 91387, MedGen C4707243, MONDO:0019625.
Marfan syndrome (MFS). Also called: FBN1-Related Marfan Syndrome; MARFAN SYNDROME, TYPE I; Marfan syndrome type 1; Marfan's syndrome; Marfan syndrome, classic. Identifiers: Orphanet 284963, Orphanet 558, MedGen C0024796, MONDO:0007947, OMIM 154700.

Allele frequency attached by ClinVar (database versions not stated): gnomAD exomes 0.00001; TOPMed below 0.00001; gnomAD 0.00001.
gnomAD v4.1: 21 of 1,601,976 alleles (0.0013%); highest among the groups gnomAD compares: Non-Finnish European, 0.0018%; no homozygotes.

Submissions (2):

Color Diagnostics, LLC DBA Color Health
Classification: Uncertain significance for Familial thoracic aortic aneurysm and aortic dissection. Last evaluated: 2025-06-04. Review status: criteria provided, single submitter. Criteria: ACMG Guidelines, 2015. Collection method: clinical testing. Allele origin: germline.
Comment: This variant causes a single nucleotide substitution in the 5' untranslated region of the FBN1 gene. To our knowledge, functional studies have not been reported for this variant. This variant has not been reported in individuals affected with FBN1-related disorders in the literature. This variant has not been identified in the general population by the Genome Aggregation Database (gnomAD). The available evidence is insufficient to determine the role of this variant in disease conclusively. Therefore, this variant is classified as a Variant of Uncertain Significance.

All of Us Research Program, National Institutes of Health
Classification: Uncertain significance for Marfan syndrome. Last evaluated: 2023-04-03. Review status: criteria provided, single submitter. Criteria: ACMG Guidelines, 2015. Collection method: clinical testing. Allele origin: germline. Inheritance: Autosomal dominant inheritance. Observed: 1 variant allele, 1 heterozygote.
Comment: This variant is located in the 5' untranslated region of the FBN1 gene. To our knowledge, functional studies have not been reported for this variant. This variant has not been reported in individuals affected with FBN1-related disorders in the literature. This variant has not been identified in the general population by the Genome Aggregation Database (gnomAD). The available evidence is insufficient to determine the role of this variant in disease conclusively. Therefore, this variant is classified as a Variant of Uncertain Significance.

This study involves interpretation of variants in research participants for the purpose of population health screening. Participant phenotype was not available at the time of variant classification. Additional details can be found in publication PMID: 35346344, PMCID: PMC8962531